The following is an entry in ClinVar:

ClinVar aggregate classification (germline): Pathogenic/Likely pathogenic. Review status: criteria provided, multiple submitters, no conflicts (2 of 4 stars). 12 submissions from 12 submitters: Pathogenic (9); Likely pathogenic (1). 2 of the submissions do not count toward it. Last evaluated 2025-10-09.

Conditions:
Hb SS disease (SCD). Also called: Hemoglobin SS; Sickle cell anemia; Sickle cell disease; HbS disease; Hemoglobin S Disease; Sickling disorder due to hemoglobin S. Identifiers: Orphanet 232, Orphanet 275752, MedGen C0002895, MONDO:0011382, OMIM 603903.
Heinz body anemia. Also called: Heinz body hemolytic anemia. Identifiers: Orphanet 178330, MedGen C0700299, MONDO:0007705, OMIM 140700, HP:0005511.
alpha Thalassemia. Also called: Alpha thalassemia spectrum. Identifiers: Orphanet 846, MedGen C0002312, MONDO:0011399, OMIM 604131.
Dominant beta-thalassemia. Also called: Beta-thalassemia, dominant inclusion body type. Identifiers: Orphanet 231226, Orphanet 848, MedGen C1858990, MONDO:0011381, OMIM 603902.
Beta-thalassemia HBB/LCRB. Identifiers: MedGen CN322236, MONDO:0013517, OMIM 613985.
Erythrocytosis, familial, 6. Also called: POLYCYTHEMIA, BETA-GLOBIN TYPE; ERYTHROCYTOSIS, BETA-GLOBIN TYPE. Identifiers: MedGen C4693822, MONDO:0054801, OMIM 617980.
METHEMOGLOBINEMIA, BETA TYPE. Also called: Methemoglobinemia, beta-globin type. Identifiers: MedGen C1840779, OMIM 617971.
Malaria, susceptibility to. Identifiers: Orphanet 673, MedGen C1970028, MONDO:0021024, OMIM 611162.
Hereditary persistence of fetal hemoglobin. Identifiers: MedGen C0019025, MONDO:0020989, OMIM 141749.
BETA-PLUS-THALASSEMIA. Identifiers: MedGen C3841475.
beta Thalassemia (BTHAL). Also called: Cooley's anemia; Erythroblastic anemia; Mediterranean anemia. Identifiers: Orphanet 848, MedGen C0005283, MONDO:0019402. Disease mechanism: loss of function.

Allele frequency attached by ClinVar (database versions not stated): ExAC 0.00002; gnomAD 0.00006 and 0.00005; gnomAD exomes below 0.00001; ESP Exome Variant Server 0.00008; TOPMed 0.00011.
gnomAD v4.1: 12 of 1,613,626 alleles (0.00074%); highest among the groups gnomAD compares: African/African-American, 0.015%; no homozygotes.

Submissions (12):

Natera, Inc.
Classification: Pathogenic for Beta thalassemia. Last evaluated: 2025-10-09. Review status: criteria provided, single submitter. Criteria: Natera Variant Classification Schema (03/2026). Collection method: clinical testing. Allele origin: germline.
Comment: The c.75T>A variant in HBB is a synonymous variant that does not alter the encoded amino acid at position 25 (p.G25=). This variant is rare in the general population with a frequency below the threshold expected for the associated phenotype(s). This variant has been observed in one or more individuals affected with the associated recessive disease, as either homozygous or compound heterozygous with a second variant (PMID: 2458145). Given the available evidence, this variant is classified as Pathogenic.

GeneDx
Classification: Pathogenic. Last evaluated: 2025-08-21. Review status: criteria provided, single submitter. Criteria: GeneDx Variant Classification Process June 2021. Collection method: clinical testing. Allele origin: germline. Affected: yes.
Comment: RNA studies demonstrate abnormal splicing and a decrease of normally processed beta-globin mRNA (PMID: 6572978); In silico analysis supports a deleterious effect on splicing; Also known as Gly24Gly; This variant is associated with the following publications: (PMID: 25087612, 22975760, 26044735, 2458145, 2634667, 23590658, 28366028, 29669226, 6572978)

ARUP Laboratories, Molecular Genetics and Genomics, ARUP Laboratories
Classification: Pathogenic. Last evaluated: 2025-06-09. Review status: criteria provided, single submitter. Criteria: ARUP Molecular Germline Variant Investigation Process 2024. Collection method: clinical testing. Allele origin: germline.
Comment: The HBB c.75T>A; p.Gly25Gly variant (also known as Gly24Gly when numbered from the mature protein or as codon 24 (T>A), rs33951465, HbVar ID: 805) has been reported in individuals with beta thalassemia who were homozygous for the variant or compound heterozygous with another pathogenic variant (see HbVar and ClinVar links, Gonzalez-Redondo 1988, Hattori 1989). This synonymous variant introduces a cryptic acceptor splice site and has been shown to alter splicing by reducing normal beta globin transcripts by about 75 percent (Goldsmith 1983). Based on available information, this variant is considered to be pathogenic. References: Link to HbVar database: Goldsmith ME et al. "Silent" nucleotide substitution in a beta+-thalassemia globin gene activates splice site in coding sequence RNA. Proc Natl Acad Sci U S A. 1983; 80(8):2318-22. PMID: 6572978 Gonzalez-Redondo JM et al. Clinical and genetic heterogeneity in black patients with homozygous beta-thalassemia from the southeastern United States. Blood. 1988; 72(3):1007-14. PMID: 2458145 Hattori Y et al. Characterization of beta-thalassemia mutations among the Japanese. Hemoglobin. 1989; 13(7-8):657-70. PMID: 2634667

Women's Health and Genetics/Laboratory Corporation of America, LabCorp
Classification: Pathogenic for beta Thalassemia. Last evaluated: 2025-03-04. Review status: criteria provided, single submitter. Criteria: LabCorp Variant Classification Summary - May 2015. Collection method: clinical testing. Allele origin: germline.
Comment: Variant summary: HBB c.75T>A results in a synonymous change. At least one publication reports experimental evidence that this variant affects mRNA splicing. The variant allele was found at a frequency of 4e-06 in 251294 control chromosomes. c.75T>A has been reported in the literature in multiple individuals affected with Beta Thalassemia. These data indicate that the variant is very likely to be associated with disease. At least one publication reports experimental evidence showing the variant to cause activation of a cryptic donor splice site that leads to 75% decrease in the accumulation of normally processed Beta globin mRNA (Goldsmith_1983). ClinVar contains an entry for this variant (Variation ID: 15459). Based on the evidence outlined above, the variant was classified as pathogenic.

Quest Diagnostics Nichols Institute San Juan Capistrano
Classification: Pathogenic. Last evaluated: 2024-06-03. Review status: criteria provided, single submitter. Criteria: Quest Diagnostics criteria. Collection method: clinical testing. Allele origin: unknown.
Comment: The HBB c.75T>A (p.Gly25=) synonymous variant has been reported in the published literature in several individuals affected with beta(+) thalassemia (PMIDs: 2458145 (1988), 2634667 (1989), 20737602 (2010), 23590658 (2013), 28366028 (2017), 29669226 (2018), 31788855 (2020), 36106931 (2022)). This variant is reported to activate a cryptic splice donor site and significantly reduce the amount of normal HBB mRNA produced (PMID: 6572978 (1983)). The frequency of this variant in the general population, 0.0002 (5/24970 chromosomes (Genome Aggregation Database)), is consistent with pathogenicity. Based on the available information, this variant is classified as pathogenic.

Labcorp Genetics (formerly Invitae), Labcorp
Classification: Pathogenic. Last evaluated: 2024-02-14. Review status: criteria provided, single submitter. Criteria: Invitae Variant Classification Sherloc (09022015). Collection method: clinical testing. Allele origin: germline.
Comment: This sequence change affects codon 25 of the HBB mRNA. It is a 'silent' change, meaning that it does not change the encoded amino acid sequence of the HBB protein. This variant is present in population databases (rs33951465, gnomAD 0.02%). This variant has been observed in individual(s) with beta thalassaemia (PMID: 2458145, 2634667, 28366028). In at least one individual the data is consistent with being in trans (on the opposite chromosome) from a pathogenic variant. ClinVar contains an entry for this variant (Variation ID: 15459). Algorithms developed to predict the effect of sequence changes on RNA splicing suggest that this variant may disrupt the consensus splice site. For these reasons, this variant has been classified as Pathogenic.

Revvity Omics, Revvity
Classification: Pathogenic. Last evaluated: 2022-03-21. Review status: criteria provided, single submitter. Criteria: ACMG Guidelines, 2015. Collection method: clinical testing. Allele origin: germline.

Fulgent Genetics
Classification: Pathogenic for Heinz body anemia; Hereditary persistence of fetal hemoglobin; Dominant beta-thalassemia; Hb SS disease; alpha Thalassemia; Malaria, susceptibility to; Beta-thalassemia HBB/LCRB; METHEMOGLOBINEMIA, BETA TYPE; Erythrocytosis, familial, 6. Last evaluated: 2021-09-16. Review status: criteria provided, single submitter. Criteria: ACMG Guidelines, 2015. Collection method: clinical testing. Allele origin: unknown.

Myriad Genetics, Inc.
Classification: Likely pathogenic for Beta-thalassemia HBB/LCRB. Last evaluated: 2019-12-20. Review status: criteria provided, single submitter. Criteria: Myriad Women's Health Autosomal Recessive and X-Linked Classification Criteria (2019). Collection method: clinical testing. Allele origin: unknown.
Comment: NM_000518.4(HBB):c.75T>A(aka G25=) is classified as likely pathogenic in the context of Hb beta chain-related hemoglobinopathy and is associated with beta thalassemia. Sources cited for classification include the following: PMID 2458145, 6572978, 6583702 and 23590658. Classification of NM_000518.4(HBB):c.75T>A(aka G25=) is based on the following criteria: This variant has been observed more frequently in patients with clinical diagnoses than in healthy populations. Please note: this variant was assessed in the context of healthy population screening.

Baylor Genetics
Classification: Pathogenic for Hb SS disease. Review status: criteria provided, single submitter. Criteria: ACMG Guidelines, 2015. Collection method: clinical testing. Allele origin: germline.

OMIM
Classification: Pathogenic for BETA-PLUS-THALASSEMIA. Last evaluated: 1983-04-01. Review status: no assertion criteria provided. Collection method: literature only. Allele origin: germline. Not counted in ClinVar's aggregate classification.

GeneReviews
No classification provided. Condition: beta Thalassemia. Review status: no classification provided. Collection method: literature only. Allele origin: germline. Not counted in ClinVar's aggregate classification.

Literature cited by the submitters: PubMed 2458145 (cited by 5 submitters); PubMed 2634667 (cited by 3 submitters); PubMed 6583702 (cited by Women's Health and Genetics/Laboratory Corporation of America, LabCorp and Myriad Genetics, Inc.); PubMed 6572978 (cited by 4 submitters); PubMed 20737602 (cited by Women's Health and Genetics/Laboratory Corporation of America, LabCorp and Quest Diagnostics Nichols Institute San Juan Capistrano); PubMed 23590658 (cited by 3 submitters); PubMed 28366028 (cited by Quest Diagnostics Nichols Institute San Juan Capistrano and Labcorp Genetics (formerly Invitae), Labcorp); PubMed 29669226 (cited by Quest Diagnostics Nichols Institute San Juan Capistrano); PubMed 30626236 (cited by Quest Diagnostics Nichols Institute San Juan Capistrano); PubMed 31788855 (cited by Quest Diagnostics Nichols Institute San Juan Capistrano); PubMed 36106931 (cited by Quest Diagnostics Nichols Institute San Juan Capistrano); PubMed 37381791 (cited by Quest Diagnostics Nichols Institute San Juan Capistrano); PubMed 23055791 (cited by Quest Diagnostics Nichols Institute San Juan Capistrano); NCBI Bookshelf NBK1426 (cited by GeneReviews).

NM_000518.5(HBB):c.75T>A (p.Gly25=)

Genes: HBB (hemoglobin subunit beta; minus strand), LOC106099062 (HBB recombination region; plus strand), LOC107133510 (origin of replication at HBB; plus strand). Cytogenetic location: 11p15.4.
Variant type: single nucleotide variant.
Coding change: c.75T>A on transcript NM_000518.5 (MANE Select); coding-DNA position 75, T replaced by A.
Protein change: p.Gly25=; no amino-acid change (glycine 25 retained).
Molecular consequence: synonymous variant.
Genome position (GRCh38, 1-based): chr11:5,226,947, A>T on the plus strand (T>A on the coding strand, the complement: HBB is on the minus strand). VCF-style: chr11-5226947-A-T. GRCh37 (hg19) VCF-style: chr11-5248177-A-T.
Other names: G24G; cd24T>A.
Identifiers: ClinVar variation 15459 (VCV000015459.115), dbSNP rs33951465, ClinGen allele CA125318.